The following is an entry in ClinVar:

ClinVar aggregate classification (germline): Uncertain significance (1 of 4 stars; one submission).

Allele frequency attached by ClinVar (database versions not stated): gnomAD exomes 0.00001.
gnomAD v4.1: 8 of 1,211,581 alleles (0.00066%); highest among the groups gnomAD compares: African/African-American, 0.0017%; no homozygotes.

Submission:

GeneDx
Classification: Uncertain significance. Last evaluated: 2023-03-01. Review status: criteria provided, single submitter. Criteria: GeneDx Variant Classification Process June 2021. Collection method: clinical testing. Allele origin: germline. Affected: yes.
Comment: Not observed at significant frequency in large population cohorts (gnomAD); In silico analysis supports that this missense variant has a deleterious effect on protein structure/function; Has not been previously published as pathogenic or benign to our knowledge

NM_000202.8(IDS):c.1070T>C (p.Val357Ala)

Genes: IDS (iduronate 2-sulfatase; minus strand), LOC106050102 (IDS recombination region; plus strand). Cytogenetic location: Xq28.
Variant type: single nucleotide variant.
Coding change: c.1070T>C on transcript NM_000202.8 (MANE Select); coding-DNA position 1070, T replaced by C.
Protein change: p.Val357Ala; replaces valine 357 with alanine.
Molecular consequence: missense variant.
Genome position (GRCh38, 1-based): chrX:149,487,035, A>G on the plus strand (T>C on the coding strand, the complement: IDS is on the minus strand). VCF-style: chrX-149487035-A-G. GRCh37 (hg19) VCF-style: chrX-148568566-A-G.
Other names: c.800T>C, p.Val267Ala (NM_001166550.4); short protein forms V267A, V357A.
Identifiers: ClinVar variation 2578164 (VCV002578164.1), dbSNP rs1045890560, ClinGen allele CA337035861.